The following is an entry in ClinVar:

ClinVar aggregate classification (germline): Likely benign (0 of 4 stars; one submission).

Conditions:
MYOF-related disorder. Also called: MYOF-related condition.

Allele frequency attached by ClinVar (database versions not stated): 1000 Genomes Project 30x 0.00016; 1000 Genomes Project 0.00020; ESP Exome Variant Server 0.00041.
gnomAD v4.1: 511 of 1,613,726 alleles (0.032%); highest among the groups gnomAD compares: Non-Finnish European, 0.04%; no homozygotes.

Submission:

PreventionGenetics, part of Exact Sciences
Classification: Likely benign for MYOF-related condition. Last evaluated: 2019-08-06. Review status: no assertion criteria provided. Collection method: clinical testing. Allele origin: germline.
Comment: This variant is classified as likely benign based on ACMG/AMP sequence variant interpretation guidelines (Richards et al. 2015 PMID: 25741868, with internal and published modifications).

NM_013451.4(MYOF):c.5959C>A (p.Arg1987=)

Gene: MYOF (myoferlin; minus strand). Cytogenetic location: 10q23.33.
Variant type: single nucleotide variant.
Coding change: c.5959C>A on transcript NM_013451.4 (MANE Select); coding-DNA position 5959, C replaced by A.
Protein change: p.Arg1987=; no amino-acid change (arginine 1987 retained).
Molecular consequence: synonymous variant.
Genome position (GRCh38, 1-based): chr10:93,310,574, G>T on the plus strand (C>A on the coding strand, the complement: MYOF is on the minus strand). VCF-style: chr10-93310574-G-T. GRCh37 (hg19) VCF-style: chr10-95070331-G-T.
Other names: c.5920C>A, p.Arg1974= (NM_133337.3).
Identifiers: ClinVar variation 3035292 (VCV003035292.2), dbSNP rs201849605, ClinGen allele CA5606511.